The following is an entry in ClinVar:

ClinVar aggregate classification (germline): Uncertain significance (1 of 4 stars; one submission).

Conditions:
Hereditary cancer-predisposing syndrome. Also called: Tumor predisposition; Neoplastic Syndromes, Hereditary; Hereditary Cancer Syndrome; Hereditary neoplastic syndrome. Identifiers: Orphanet 140162, MedGen C0027672, MeSH D009386, MONDO:0015356.

Submission:

Ambry Genetics
Classification: Uncertain significance for Hereditary cancer-predisposing syndrome. Last evaluated: 2022-01-19. Review status: criteria provided, single submitter. Criteria: Ambry Variant Classification Scheme 2023. Collection method: clinical testing. Allele origin: germline.
Comment: The p.S2116R variant (also known as c.6348C>G) is located in coding exon 43 of the ATM gene. The serine at codon 2116 is replaced by arginine, an amino acid with dissimilar properties. This change occurs in the first base pair of coding exon 43. This amino acid position is poorly conserved in available vertebrate species. In addition, this alteration is predicted to be tolerated by in silico analysis. Since supporting evidence is limited at this time, the clinical significance of this alteration remains unclear.

NM_000051.4(ATM):c.6348C>G (p.Ser2116Arg)

Genes: ATM (ATM serine/threonine kinase; plus strand), C11orf65 (chromosome 11 open reading frame 65; minus strand). Cytogenetic location: 11q22.3.
Variant type: single nucleotide variant.
Coding change: c.6348C>G on transcript NM_000051.4 (MANE Select); coding-DNA position 6348, C replaced by G.
Protein change: p.Ser2116Arg; replaces serine 2116 with arginine.
Molecular consequence: missense variant. On other transcripts: intron variant (2).
Genome position (GRCh38, 1-based): chr11:108,319,954, C>G. VCF-style: chr11-108319954-C-G. GRCh37 (hg19) VCF-style: chr11-108190681-C-G.
Other names: c.6348C>G, p.Ser2116Arg (NM_001351834.2); c.641-10883G>C (NM_001330368.2); c.*39-10883G>C (NM_001351110.2); short protein forms S2116R.
Identifiers: ClinVar variation 826340 (VCV000826340.6), dbSNP rs1591099608, ClinGen allele CA382553125.
Genomic context (GRCh38, chr11:108,319,954, plus strand): 5'-TACATGTATATCTTAGGGTTCTGTTTTTAAGTATATTTTTTTCTTTGACTTATCTCACAG[C>G]AAAGAAGTAGAAGGAACCAGTTACCATGAATCATTGTACAATGCTCTACAATCTCTAAGA-3'
Protein context (NP_000042.3, residues 2106-2126): NMQWDHCTSV[Ser2116Arg]KEVEGTSYHE